The following is an entry in ClinVar:

NM_032242.4(PLXNA1):c.3625G>A (p.Glu1209Lys)

Gene: PLXNA1 (plexin A1; plus strand). Cytogenetic location: 3q21.3.
Variant type: single nucleotide variant.
Coding change: c.3625G>A on transcript NM_032242.4 (MANE Select); coding-DNA position 3625, G replaced by A.
Protein change: p.Glu1209Lys; replaces glutamic acid 1209 with lysine.
Molecular consequence: missense variant.
Genome position (GRCh38, 1-based): chr3:127,017,857, G>A. VCF-style: chr3-127017857-G-A. GRCh37 (hg19) VCF-style: chr3-126736700-G-A.
Other names: short protein forms E1209K.
Identifiers: ClinVar variation 4987008 (VCV004987008.1).

ClinVar aggregate classification (germline): Uncertain significance (1 of 4 stars; one submission).

Conditions:
PLXNA1-related disorder. Also called: PLXNA1-related condition.

gnomAD v4.1: 16 of 1,612,604 alleles (0.00099%); highest among the groups gnomAD compares: Middle Eastern, 0.016%; no homozygotes.

Submission:

PreventionGenetics, part of Exact Sciences
Classification: Uncertain significance for PLXNA1-related condition. Last evaluated: 2024-10-08. Review status: criteria provided, single submitter. Criteria: ACMG Guidelines, 2015. Collection method: clinical testing. Allele origin: germline.
Comment: The PLXNA1 c.3625G>A variant is predicted to result in the amino acid substitution p.Glu1209Lys. To our knowledge, this variant has not been reported in the literature. This variant is reported in 0.013% of alleles in individuals of South Asian descent in gnomAD. At this time, the clinical significance of this variant is uncertain due to the absence of conclusive functional and genetic evidence.